The following is an entry in ClinVar:

NM_000388.4(CASR):c.2519C>A (p.Ala840Asp)

Gene: CASR (calcium sensing receptor; plus strand). Cytogenetic location: 3q21.1.
Variant type: single nucleotide variant.
Coding change: c.2519C>A on transcript NM_000388.4 (MANE Select); coding-DNA position 2519, C replaced by A.
Protein change: p.Ala840Asp; replaces alanine 840 with aspartic acid.
Molecular consequence: missense variant.
Genome position (GRCh38, 1-based): chr3:122,284,473, C>A. VCF-style: chr3-122284473-C-A. GRCh37 (hg19) VCF-style: chr3-122003320-C-A.
Other names: c.2549C>A, p.Ala850Asp (NM_001178065.2); short protein forms A850D, A840D.
Identifiers: ClinVar variation 4784181 (VCV004784181.1).
Genomic context (GRCh38, chr3:122,284,473, plus strand): 5'-CCTTCATTCCAGCCTATGCCAGCACCTATGGCAAGTTTGTCTCTGCCGTAGAGGTGATTG[C>A]CATCCTGGCAGCCAGCTTTGGCTTGCTGGCGTGCATCTTCTTCAACAAGATCTACATCAT-3'
Protein context (NP_000379.3, residues 830-850): GKFVSAVEVI[Ala840Asp]ILAASFGLLA

ClinVar aggregate classification (germline): Uncertain significance (1 of 4 stars; one submission).

Conditions:
Familial hypocalciuric hypercalcemia (FHH). Also called: Familial benign hypercalcemia. Identifiers: Orphanet 405, MedGen C1809471, MONDO:0018458.
Autosomal dominant hypocalcemia 1 (HYPOC1). Also called: HYPOCALCEMIA, FAMILIAL. Identifiers: MedGen C3715128, MONDO:0011013, OMIM 601198.

Submission:

Labcorp Genetics (formerly Invitae), Labcorp
Classification: Uncertain significance for Familial hypocalciuric hypercalcemia; Autosomal dominant hypocalcemia 1. Last evaluated: 2025-05-01. Review status: criteria provided, single submitter. Criteria: Invitae Variant Classification Sherloc (09022015). Collection method: clinical testing. Allele origin: germline.
Comment: This sequence change replaces alanine, which is neutral and non-polar, with aspartic acid, which is acidic and polar, at codon 840 of the CASR protein (p.Ala840Asp). This variant is not present in population databases (gnomAD no frequency). This variant has not been reported in the literature in individuals affected with CASR-related conditions. An algorithm developed to predict the effect of missense changes on protein structure and function (PolyPhen-2) suggests that this variant is likely to be disruptive. In summary, the available evidence is currently insufficient to determine the role of this variant in disease. Therefore, it has been classified as a Variant of Uncertain Significance.